The following is an entry in ClinVar:

NM_016239.4(MYO15A):c.2354G>A (p.Gly785Asp)

Gene: MYO15A (myosin XVA; plus strand). Cytogenetic location: 17p11.2.
Variant type: single nucleotide variant.
Coding change: c.2354G>A on transcript NM_016239.4 (MANE Select); coding-DNA position 2354, G replaced by A.
Protein change: p.Gly785Asp; replaces glycine 785 with aspartic acid.
Molecular consequence: missense variant.
Genome position (GRCh38, 1-based): chr17:18,121,154, G>A. VCF-style: chr17-18121154-G-A. GRCh37 (hg19) VCF-style: chr17-18024468-G-A.
Other names: short protein forms G785D.
Identifiers: ClinVar variation 1712609 (VCV001712609.2), dbSNP rs368667118, ClinGen allele CA398583886.

ClinVar aggregate classification (germline): Uncertain significance (1 of 4 stars; one submission).

gnomAD v4.1: 2 of 1,512,970 alleles (0.00013%); highest among the groups gnomAD compares: Admixed American, 0.002%; no homozygotes.

Submission:

GeneDx
Classification: Uncertain significance. Last evaluated: 2022-04-27. Review status: criteria provided, single submitter. Criteria: GeneDx Variant Classification Process June 2021. Collection method: clinical testing. Allele origin: germline. Affected: yes.
Comment: Not observed at significant frequency in large population cohorts (gnomAD); In silico analysis supports that this missense variant does not alter protein structure/function; Has not been previously published as pathogenic or benign to our knowledge